The following is an entry in ClinVar:

NM_199242.3(UNC13D):c.515G>A (p.Arg172His)

Gene: UNC13D (unc-13 homolog D; minus strand). Cytogenetic location: 17q25.1.
Variant type: single nucleotide variant.
Coding change: c.515G>A on transcript NM_199242.3 (MANE Select); coding-DNA position 515, G replaced by A.
Protein change: p.Arg172His; replaces arginine 172 with histidine.
Molecular consequence: missense variant.
Genome position (GRCh38, 1-based): chr17:75,842,487, C>T on the plus strand (G>A on the coding strand, the complement: UNC13D is on the minus strand). VCF-style: chr17-75842487-C-T. GRCh37 (hg19) VCF-style: chr17-73838568-C-T.
Other names: short protein forms R172H.
Identifiers: ClinVar variation 568426 (VCV000568426.7), dbSNP rs769659694, ClinGen allele CA8773455.

ClinVar aggregate classification (germline): Uncertain significance (1 of 4 stars; one submission).

Conditions:
Familial hemophagocytic lymphohistiocytosis 3 (FHL3). Also called: UNC13D-Related Familial Hemophagocytic Lymphohistiocytosis (UNC13D-fHLH). Identifiers: Orphanet 540, MedGen C1837174, MONDO:0012146, OMIM 608898.

Allele frequency attached by ClinVar (database versions not stated): gnomAD exomes 0.00002; TOPMed 0.00002; ExAC 0.00003.
gnomAD v4.1: 16 of 1,613,298 alleles (0.00099%); highest among the groups gnomAD compares: Admixed American, 0.0083%; no homozygotes.

Submission:

Labcorp Genetics (formerly Invitae), Labcorp
Classification: Uncertain significance for Familial hemophagocytic lymphohistiocytosis 3. Last evaluated: 2025-01-31. Review status: criteria provided, single submitter. Criteria: Invitae Variant Classification Sherloc (09022015). Collection method: clinical testing. Allele origin: germline.
Comment: This sequence change replaces arginine, which is basic and polar, with histidine, which is basic and polar, at codon 172 of the UNC13D protein (p.Arg172His). This variant is present in population databases (rs769659694, gnomAD 0.01%). This variant has not been reported in the literature in individuals affected with UNC13D-related conditions. ClinVar contains an entry for this variant (Variation ID: 568426). Invitae Evidence Modeling of protein sequence and biophysical properties (such as structural, functional, and spatial information, amino acid conservation, physicochemical variation, residue mobility, and thermodynamic stability) has been performed for this missense variant. However, the output from this modeling did not meet the statistical confidence thresholds required to predict the impact of this variant on UNC13D protein function. In summary, the available evidence is currently insufficient to determine the role of this variant in disease. Therefore, it has been classified as a Variant of Uncertain Significance.